The following is an entry in ClinVar:

NM_000260.4(MYO7A):c.5710C>T (p.His1904Tyr)

Gene: MYO7A (myosin VIIA; plus strand). Cytogenetic location: 11q13.5.
Variant type: single nucleotide variant.
Coding change: c.5710C>T on transcript NM_000260.4 (MANE Select); coding-DNA position 5710, C replaced by T.
Protein change: p.His1904Tyr; replaces histidine 1904 with tyrosine.
Molecular consequence: missense variant.
Genome position (GRCh38, 1-based): chr11:77,206,170, C>T. VCF-style: chr11-77206170-C-T. GRCh37 (hg19) VCF-style: chr11-76917215-C-T.
Other names: c.5596C>T, p.His1866Tyr (NM_001127180.2); c.5563C>T, p.His1855Tyr (NM_001369365.1); short protein forms H1855Y, H1904Y, H1866Y.
Identifiers: ClinVar variation 2096521 (VCV002096521.4), dbSNP rs2497719279, ClinGen allele CA381953323.

ClinVar aggregate classification (germline): Uncertain significance (1 of 4 stars; one submission).

Submission:

Labcorp Genetics (formerly Invitae), Labcorp
Classification: Uncertain significance. Last evaluated: 2022-02-23. Review status: criteria provided, single submitter. Criteria: Invitae Variant Classification Sherloc (09022015). Collection method: clinical testing. Allele origin: germline.
Comment: This variant is not present in population databases (gnomAD no frequency). This sequence change replaces histidine, which is basic and polar, with tyrosine, which is neutral and polar, at codon 1904 of the MYO7A protein (p.His1904Tyr). This variant has not been reported in the literature in individuals affected with MYO7A-related conditions. Advanced modeling of protein sequence and biophysical properties (such as structural, functional, and spatial information, amino acid conservation, physicochemical variation, residue mobility, and thermodynamic stability) performed at Invitae indicates that this missense variant is expected to disrupt MYO7A protein function. In summary, the available evidence is currently insufficient to determine the role of this variant in disease. Therefore, it has been classified as a Variant of Uncertain Significance.